The following is an entry in ClinVar:

ClinVar aggregate classification (germline): Uncertain significance. Review status: criteria provided, multiple submitters, no conflicts (2 of 4 stars). 2 submissions from 2 submitters: Uncertain significance (2). Last evaluated 2023-12-05.

Conditions:
Hereditary cancer-predisposing syndrome. Also called: Neoplastic Syndromes, Hereditary; Tumor predisposition; Hereditary neoplastic syndrome; Hereditary Cancer Syndrome. Identifiers: Orphanet 140162, MedGen C0027672, MeSH D009386, MONDO:0015356.

gnomAD v4.1: 1 of 1,613,196 alleles (0.000062%); highest among the groups gnomAD compares: Non-Finnish European, 0.000085%; no homozygotes.

Submissions (2):

Color Diagnostics, LLC DBA Color Health
Classification: Uncertain significance for Hereditary cancer-predisposing syndrome. Last evaluated: 2023-12-05. Review status: criteria provided, single submitter. Criteria: ACMG Guidelines, 2015. Collection method: clinical testing. Allele origin: germline.
Comment: This missense variant replaces glutamine with proline at codon 374 of the ATM protein. Computational prediction suggests that this variant may not impact protein structure and function (internally defined REVEL score threshold <= 0.5, PMID: 27666373). To our knowledge, functional studies have not been reported for this variant. This variant has not been reported in individuals affected with ATM-related disorders in the literature. This variant has not been identified in the general population by the Genome Aggregation Database (gnomAD). The available evidence is insufficient to determine the role of this variant in disease conclusively. Therefore, this variant is classified as a Variant of Uncertain Significance.

Ambry Genetics
Classification: Uncertain significance for Hereditary cancer-predisposing syndrome. Last evaluated: 2016-11-09. Review status: criteria provided, single submitter. Criteria: Ambry Variant Classification Scheme 2023. Collection method: clinical testing. Allele origin: germline.
Comment: The p.Q374P variant (also known as c.1121A>C), located in coding exon 8 of the ATM gene, results from an A to C substitution at nucleotide position 1121. The glutamine at codon 374 is replaced by proline, an amino acid with similar properties. This variant was not reported in population based cohorts in the following databases: Database of Single Nucleotide Polymorphisms (dbSNP), NHLBI Exome Sequencing Project (ESP), and 1000 Genomes Project. In the ESP, this variant was not observed in 6499 samples (12998 alleles) with coverage at this position. To date, this alteration has been detected with an allele frequency of approximately 0.001% (greater than 180000 alleles tested) in our clinical cohort. This amino acid position is well conserved in available vertebrate species. In addition, this alteration is predicted to be tolerated by in silico analysis. Since supporting evidence is limited at this time, the clinical significance of this alteration remains unclear.

NM_000051.4(ATM):c.1121A>C (p.Gln374Pro)

Gene: ATM (ATM serine/threonine kinase; plus strand). Cytogenetic location: 11q22.3.
Variant type: single nucleotide variant.
Coding change: c.1121A>C on transcript NM_000051.4 (MANE Select); coding-DNA position 1121, A replaced by C.
Protein change: p.Gln374Pro; replaces glutamine 374 with proline.
Molecular consequence: missense variant.
Genome position (GRCh38, 1-based): chr11:108,248,988, A>C. VCF-style: chr11-108248988-A-C. GRCh37 (hg19) VCF-style: chr11-108119715-A-C.
Other names: c.1121A>C, p.Gln374Pro (NM_001351834.2); short protein forms Q374P.
Identifiers: ClinVar variation 628277 (VCV000628277.7), dbSNP rs1555069640, ClinGen allele CA382532422.